The following is an entry in ClinVar:

NM_018896.5(CACNA1G):c.1780C>T (p.His594Tyr)

Gene: CACNA1G (calcium voltage-gated channel subunit alpha1 G; plus strand). Cytogenetic location: 17q21.33.
Variant type: single nucleotide variant.
Coding change: c.1780C>T on transcript NM_018896.5 (MANE Select); coding-DNA position 1780, C replaced by T.
Protein change: p.His594Tyr; replaces histidine 594 with tyrosine.
Molecular consequence: missense variant. On other transcripts: non-coding transcript variant (5).
Genome position (GRCh38, 1-based): chr17:50,576,182, C>T. VCF-style: chr17-50576182-C-T. GRCh37 (hg19) VCF-style: chr17-48653543-C-T.
Other names: c.1780C>T, p.His594Tyr (NM_001256324.2, NM_001256325.2, NM_001256326.2 and 24 more transcripts); short protein forms H594Y.
Identifiers: ClinVar variation 1309704 (VCV001309704.3), dbSNP rs2144899040, ClinGen allele CA400239158.
Genomic context (GRCh38, chr17:50,576,182, plus strand): 5'-AGGTCCCCATCTGAGGCATCCGGCAGGACTGTGGGCAGCGGGAAGGTGTATCCCACCGTG[C>T]ACACCAGCCCTCCACCGGAGACGCTGAAGGAGAAGGCACTAGTAGAGGTGGCTGCCAGCT-3'
Protein context (NP_061496.2, residues 584-604): VGSGKVYPTV[His594Tyr]TSPPPETLKE

ClinVar aggregate classification (germline): Uncertain significance (1 of 4 stars; one submission).

Allele frequency attached by ClinVar (database versions not stated): gnomAD exomes below 0.00001.
gnomAD v4.1: 1 of 1,610,400 alleles (0.000062%); highest among the groups gnomAD compares: African/African-American, 0.0013%; no homozygotes.

Submission:

GeneDx
Classification: Uncertain significance. Last evaluated: 2025-03-27. Review status: criteria provided, single submitter. Criteria: GeneDx Variant Classification Process June 2021. Collection method: clinical testing. Allele origin: germline. Affected: yes.
Comment: Not observed at significant frequency in large population cohorts (gnomAD); In silico analysis indicates that this missense variant does not alter protein structure/function; Has not been previously published as pathogenic or benign to our knowledge